The following is an entry in ClinVar:

ClinVar aggregate classification (germline): Uncertain significance (1 of 4 stars; one submission).

Conditions:
Peroxisome biogenesis disorder 9B. Also called: PEX7-Related Refsum Disease; Refsum disease, adult, 2; PEROXISOME BIOGENESIS DISORDER, PEX7-RELATED, ATYPICAL. Identifiers: Orphanet 773, MedGen C2749346, MONDO:0013945, OMIM 614879.

Allele frequency attached by ClinVar (database versions not stated): gnomAD exomes below 0.00001.
gnomAD v4.1: 2 of 1,613,938 alleles (0.00012%); highest among the groups gnomAD compares: African/African-American, 0.0013%; no homozygotes.

Submission:

Labcorp Genetics (formerly Invitae), Labcorp
Classification: Uncertain significance for Peroxisome biogenesis disorder 9B. Last evaluated: 2022-10-17. Review status: criteria provided, single submitter. Criteria: Invitae Variant Classification Sherloc (09022015). Collection method: clinical testing. Allele origin: germline.
Comment: This sequence change replaces aspartic acid, which is acidic and polar, with asparagine, which is neutral and polar, at codon 96 of the PEX7 protein (p.Asp96Asn). This variant is present in population databases (no rsID available, gnomAD 0.007%). This variant has not been reported in the literature in individuals affected with PEX7-related conditions. ClinVar contains an entry for this variant (Variation ID: 1376144). Algorithms developed to predict the effect of missense changes on protein structure and function are either unavailable or do not agree on the potential impact of this missense change (SIFT: "Tolerated"; PolyPhen-2: "Probably Damaging"; Align-GVGD: "Class C0"). In summary, the available evidence is currently insufficient to determine the role of this variant in disease. Therefore, it has been classified as a Variant of Uncertain Significance.

NM_000288.4(PEX7):c.286G>A (p.Asp96Asn)

Gene: PEX7 (peroxisomal biogenesis factor 7; plus strand). Cytogenetic location: 6q23.3.
Variant type: single nucleotide variant.
Coding change: c.286G>A on transcript NM_000288.4 (MANE Select); coding-DNA position 286, G replaced by A.
Protein change: p.Asp96Asn; replaces aspartic acid 96 with asparagine.
Molecular consequence: missense variant.
Genome position (GRCh38, 1-based): chr6:136,826,416, G>A. VCF-style: chr6-136826416-G-A. GRCh37 (hg19) VCF-style: chr6-137147554-G-A.
Other names: short protein forms D96N.
Identifiers: ClinVar variation 1376144 (VCV001376144.3), dbSNP rs1412257014, ClinGen allele CA365855927.